The following is an entry in ClinVar:

ClinVar aggregate classification (germline): Uncertain significance (1 of 4 stars; one submission).

gnomAD v4.1: 1 of 1,210,902 alleles (0.000083%); highest among the groups gnomAD compares: Non-Finnish European, 0.00011%; no homozygotes.

Submission:

GeneDx
Classification: Uncertain significance. Last evaluated: 2024-02-06. Review status: criteria provided, single submitter. Criteria: GeneDx Variant Classification Process June 2021. Collection method: clinical testing. Allele origin: germline. Affected: yes.
Comment: Not observed at significant frequency in large population cohorts (gnomAD); In silico analysis supports that this missense variant does not alter protein structure/function; Has not been previously published as pathogenic or benign to our knowledge

NM_031407.7(HUWE1):c.7901C>T (p.Ala2634Val)

Gene: HUWE1 (HECT, UBA and WWE domain containing E3 ubiquitin protein ligase 1; minus strand). Cytogenetic location: Xp11.22.
Variant type: single nucleotide variant.
Coding change: c.7901C>T on transcript NM_031407.7 (MANE Select); coding-DNA position 7901, C replaced by T.
Protein change: p.Ala2634Val; replaces alanine 2634 with valine.
Molecular consequence: missense variant.
Genome position (GRCh38, 1-based): chrX:53,559,368, G>A on the plus strand (C>T on the coding strand, the complement: HUWE1 is on the minus strand). VCF-style: chrX-53559368-G-A. GRCh37 (hg19) VCF-style: chrX-53586329-G-A.
Other names: short protein forms A2634V.
Identifiers: ClinVar variation 3368757 (VCV003368757.1).